The following is an entry in ClinVar:

NM_007294.4(BRCA1):c.5517G>C (p.Leu1839Phe)

Gene: BRCA1 (BRCA1 DNA repair associated; minus strand). Cytogenetic location: 17q21.31.
Variant type: single nucleotide variant.
Coding change: c.5517G>C on transcript NM_007294.4 (MANE Select); coding-DNA position 5517, G replaced by C.
Protein change: p.Leu1839Phe; replaces leucine 1839 with phenylalanine.
Molecular consequence: missense variant. On other transcripts: 3 prime UTR variant (1), non-coding transcript variant (1).
Genome position (GRCh38, 1-based): chr17:43,045,753, C>G on the plus strand (G>C on the coding strand, the complement: BRCA1 is on the minus strand). VCF-style: chr17-43045753-C-G. GRCh37 (hg19) VCF-style: chr17-41197770-C-G.
Other names: c.2205G>C, p.Leu735Phe (NM_001407979.1, NM_001407980.1, NM_001407981.1 and 11 more transcripts); c.5514G>C, p.Leu1838Phe (NM_001407621.1, NM_001407622.1, NM_001407623.1 and 14 more transcripts); c.5511G>C, p.Leu1837Phe (NM_001407627.1, NM_001407628.1, NM_001407629.1 and 13 more transcripts); c.5508G>C, p.Leu1836Phe (NM_001407644.1, NM_001407645.1); c.5505G>C, p.Leu1835Phe (NM_001407646.1); c.5502G>C, p.Leu1834Phe (NM_001407647.1); c.5460G>C, p.Leu1820Phe (NM_001407648.1); c.5457G>C, p.Leu1819Phe (NM_001407649.1); and 74 more; short protein forms L1839F, L735F, L1792F, L1860F, L1795F, L1797F, L1819F, L1836F.
Identifiers: ClinVar variation 867618 (VCV000867618.3), dbSNP rs2050875063, ClinGen allele CA10590287.

Conditions:
Breast-ovarian cancer, familial, susceptibility to, 1 (BROVCA1). Also called: BRCA1 Hereditary Breast and Ovarian Cancer; OVARIAN CANCER, SUSCEPTIBILITY TO. Identifiers: Orphanet 145, MedGen C2676676, MONDO:0011450, OMIM 604370. Disease mechanism: loss of function.

Submission:

Brotman Baty Institute, University of Washington
No classification provided (evidence only). Condition: Breast-ovarian cancer, familial 1. Review status: no classification provided. Collection method: in vitro. Allele origin: not applicable. Functional consequence: functionally_normal.
ClinVar note: "not provided" was previously submitted as the classification for the variant. However, the classification appeared to be based only on an observation of functional data so it was converted to no classification on 2025-07-30.